The following is an entry in ClinVar:

NM_001148.6(ANK2):c.1414G>A (p.Ala472Thr)

Gene: ANK2 (ankyrin 2; plus strand). Cytogenetic location: 4q26.
Variant type: single nucleotide variant.
Coding change: c.1414G>A on transcript NM_001148.6 (MANE Select); coding-DNA position 1414, G replaced by A.
Protein change: p.Ala472Thr; replaces alanine 472 with threonine.
Molecular consequence: missense variant.
Genome position (GRCh38, 1-based): chr4:113,264,924, G>A. VCF-style: chr4-113264924-G-A. GRCh37 (hg19) VCF-style: chr4-114186080-G-A.
Other names: c.1351G>A, p.Ala451Thr (NM_001127493.3, NM_001354239.2, NM_001354243.2 and 14 more transcripts); c.1414G>A, p.Ala472Thr (NM_001354225.2, NM_001354228.2, NM_001354232.2 and 8 more transcripts); c.1459G>A, p.Ala487Thr (NM_001354230.2, NM_001354231.2, NM_001354237.2 and 5 more transcripts); c.1327G>A, p.Ala443Thr (NM_001354249.2, NM_001354260.2, NM_001354264.2 and 13 more transcripts); c.1372G>A, p.Ala458Thr (NM_001354261.2, NM_001386147.1, NM_001386160.1); c.1204G>A, p.Ala402Thr (NM_001354269.3); c.1216G>A, p.Ala406Thr (NM_001354273.2); c.1129G>A, p.Ala377Thr (NM_001354277.2, NM_001386157.1, NM_001386158.1); and 4 more; short protein forms A406T, A443T, A460T, A402T, A458T, A472T, A377T, A451T.
Identifiers: ClinVar variation 2565318 (VCV002565318.2), dbSNP rs2493684275, ClinGen allele CA357930892.

ClinVar aggregate classification (germline): Uncertain significance (1 of 4 stars; one submission).

Conditions:
Cardiovascular phenotype. Identifiers: MedGen CN230736.

Submission:

Ambry Genetics
Classification: Uncertain significance for Cardiovascular phenotype. Last evaluated: 2023-05-18. Review status: criteria provided, single submitter. Criteria: Ambry Variant Classification Scheme 2023. Collection method: clinical testing. Allele origin: germline.
Comment: The p.A472T variant (also known as c.1414G>A), located in coding exon 14 of the ANK2 gene, results from a G to A substitution at nucleotide position 1414. The alanine at codon 472 is replaced by threonine, an amino acid with similar properties. This amino acid position is conserved. In addition, the in silico prediction for this alteration is inconclusive. Since supporting evidence is limited at this time, the clinical significance of this alteration remains unclear.